The following is an entry in ClinVar:

NM_001942.4(DSG1):c.2933G>T (p.Gly978Val)

Genes: DSG1-AS1 (DSG1 antisense RNA 1; minus strand), DSG1 (desmoglein 1; plus strand). Cytogenetic location: 18q12.1.
Variant type: single nucleotide variant.
Coding change: c.2933G>T on transcript NM_001942.4 (MANE Select); coding-DNA position 2933, G replaced by T.
Protein change: p.Gly978Val; replaces glycine 978 with valine.
Molecular consequence: missense variant.
Genome position (GRCh38, 1-based): chr18:31,355,129, G>T. VCF-style: chr18-31355129-G-T. GRCh37 (hg19) VCF-style: chr18-28935092-G-T.
Other names: c.2933G>T (NM_001942.2); short protein forms G978V.
Identifiers: ClinVar variation 1345410 (VCV001345410.11), dbSNP rs151170788, ClinGen allele CA8926478.

ClinVar aggregate classification (germline): Uncertain significance. Review status: criteria provided, multiple submitters, no conflicts (2 of 4 stars). 4 submissions from 4 submitters: Uncertain significance (4). Last evaluated 2026-01-13.

Conditions:
Inborn genetic diseases. Identifiers: MedGen C0950123, MeSH D030342.

Allele frequency attached by ClinVar (database versions not stated): ESP Exome Variant Server 0.00023; ExAC 0.00019; gnomAD exomes 0.00015; gnomAD 0.00029.
gnomAD v4.1: 662 of 1,612,880 alleles (0.041%); highest among the groups gnomAD compares: Non-Finnish European, 0.049%; no homozygotes.

Submissions (4):

Labcorp Genetics (formerly Invitae), Labcorp
Classification: Uncertain significance. Last evaluated: 2026-01-13. Review status: criteria provided, single submitter. Criteria: Invitae Variant Classification Sherloc (09022015). Collection method: clinical testing. Allele origin: germline.
Comment: This sequence change replaces glycine, which is neutral and non-polar, with valine, which is neutral and non-polar, at codon 978 of the DSG1 protein (p.Gly978Val). This variant is present in population databases (rs151170788, gnomAD 0.09%). This variant has not been reported in the literature in individuals affected with DSG1-related conditions. ClinVar contains an entry for this variant (Variation ID: 1345410). An algorithm developed to predict the effect of missense changes on protein structure and function (PolyPhen-2) suggests that this variant is likely to be tolerated. In summary, the available evidence is currently insufficient to determine the role of this variant in disease. Therefore, it has been classified as a Variant of Uncertain Significance.

Ambry Genetics
Classification: Uncertain significance for Inborn genetic diseases. Last evaluated: 2025-05-23. Review status: criteria provided, single submitter. Criteria: Ambry Variant Classification Scheme 2023. Collection method: clinical testing. Allele origin: germline.

Revvity Omics, Revvity
Classification: Uncertain significance. Last evaluated: 2021-02-05. Review status: criteria provided, single submitter. Criteria: ACMG Guidelines, 2015. Collection method: clinical testing. Allele origin: germline.

Breakthrough Genomics
Classification: Uncertain significance. Review status: criteria provided, single submitter. Criteria: ACMG Guidelines, 2015. Collection method: not provided. Allele origin: germline. Inheritance: Autosomal recessive inheritance. Affected: yes.